The following is an entry in ClinVar:

ClinVar aggregate classification (germline): Uncertain significance (1 of 4 stars; one submission).

Conditions:
Idiopathic Pulmonary Fibrosis. Also called: Idiopathic fibrosing alveolitis, chronic form; idiopathic fibrosing alveolitis. Identifiers: Orphanet 2032, MedGen C1800706, MeSH D054990, MONDO:0800504.
Dyskeratosis congenita, autosomal dominant 2. Identifiers: MedGen C3151443, MONDO:0013521, OMIM 613989.

Submission:

Labcorp Genetics (formerly Invitae), Labcorp
Classification: Uncertain significance for Dyskeratosis congenita, autosomal dominant 2; Idiopathic Pulmonary Fibrosis. Last evaluated: 2021-10-06. Review status: criteria provided, single submitter. Criteria: Invitae Variant Classification Sherloc (09022015). Collection method: clinical testing. Allele origin: germline.
Comment: In summary, the available evidence is currently insufficient to determine the role of this variant in disease. Therefore, it has been classified as a Variant of Uncertain Significance. Advanced modeling of protein sequence and biophysical properties (such as structural, functional, and spatial information, amino acid conservation, physicochemical variation, residue mobility, and thermodynamic stability) performed at Invitae indicates that this missense variant is expected to disrupt TERT protein function. This variant has not been reported in the literature in individuals affected with TERT-related conditions. This variant is not present in population databases (ExAC no frequency). This sequence change replaces alanine with serine at codon 1061 of the TERT protein (p.Ala1061Ser). The alanine residue is moderately conserved and there is a moderate physicochemical difference between alanine and serine.

NM_198253.3(TERT):c.3181G>T (p.Ala1061Ser)

Gene: TERT (telomerase reverse transcriptase; minus strand). Cytogenetic location: 5p15.33.
Variant type: single nucleotide variant.
Coding change: c.3181G>T on transcript NM_198253.3 (MANE Select); coding-DNA position 3181, G replaced by T.
Protein change: p.Ala1061Ser; replaces alanine 1061 with serine.
Molecular consequence: missense variant. On other transcripts: non-coding transcript variant (2).
Genome position (GRCh38, 1-based): chr5:1,254,482, C>A on the plus strand (G>T on the coding strand, the complement: TERT is on the minus strand). VCF-style: chr5-1254482-C-A. GRCh37 (hg19) VCF-style: chr5-1254597-C-A.
Other names: c.2992G>T, p.Ala998Ser (NM_001193376.3); short protein forms A998S, A1061S.
Identifiers: ClinVar variation 1383657 (VCV001383657.6), dbSNP rs1418488828, ClinGen allele CA359067496.